The following is an entry in ClinVar:

NM_177438.3(DICER1):c.2445C>A (p.His815Gln)

Gene: DICER1 (dicer 1, ribonuclease III; minus strand). Cytogenetic location: 14q32.13.
Variant type: single nucleotide variant.
Coding change: c.2445C>A on transcript NM_177438.3 (MANE Select); coding-DNA position 2445, C replaced by A.
Protein change: p.His815Gln; replaces histidine 815 with glutamine.
Molecular consequence: missense variant. On other transcripts: non-coding transcript variant (6).
Genome position (GRCh38, 1-based): chr14:95,108,085, G>T on the plus strand (C>A on the coding strand, the complement: DICER1 is on the minus strand). VCF-style: chr14-95108085-G-T. GRCh37 (hg19) VCF-style: chr14-95574422-G-T.
Other names: c.2445C>A, p.His815Gln (NM_001195573.1, NM_001271282.3, NM_001291628.2 and 12 more transcripts); c.2163C>A, p.His721Gln (NM_001395686.1); c.2040C>A, p.His680Gln (NM_001395687.1, NM_001395688.1, NM_001395689.1 and 2 more transcripts); c.1878C>A, p.His626Gln (NM_001395691.1); c.762C>A, p.His254Gln (NM_001395697.1); short protein forms H254Q, H626Q, H680Q, H815Q, H721Q.
Identifiers: ClinVar variation 3639799 (VCV003639799.2).

ClinVar aggregate classification (germline): Uncertain significance (1 of 4 stars; one submission).

Conditions:
DICER1-related tumor predisposition. Also called: DICER1-related pleuropulmonary blastoma cancer predisposition syndrome; DICER1 syndrome. Identifiers: Orphanet 284343, MedGen C3839822, MONDO:0100216.

Submission:

Labcorp Genetics (formerly Invitae), Labcorp
Classification: Uncertain significance for DICER1-related tumor predisposition. Last evaluated: 2024-02-09. Review status: criteria provided, single submitter. Criteria: Invitae Variant Classification Sherloc (09022015). Collection method: clinical testing. Allele origin: germline.
Comment: This sequence change replaces histidine, which is basic and polar, with glutamine, which is neutral and polar, at codon 815 of the DICER1 protein (p.His815Gln). This variant is not present in population databases (gnomAD no frequency). This variant has not been reported in the literature in individuals affected with DICER1-related conditions. Advanced modeling of protein sequence and biophysical properties (such as structural, functional, and spatial information, amino acid conservation, physicochemical variation, residue mobility, and thermodynamic stability) performed at Invitae indicates that this missense variant is not expected to disrupt DICER1 protein function with a negative predictive value of 80%. In summary, the available evidence is currently insufficient to determine the role of this variant in disease. Therefore, it has been classified as a Variant of Uncertain Significance.